The following is an entry in ClinVar:

NM_198578.4(LRRK2):c.4252G>C (p.Val1418Leu)

Gene: LRRK2 (leucine rich repeat kinase 2; plus strand). Cytogenetic location: 12q12.
Variant type: single nucleotide variant.
Coding change: c.4252G>C on transcript NM_198578.4 (MANE Select); coding-DNA position 4252, G replaced by C.
Protein change: p.Val1418Leu; replaces valine 1418 with leucine.
Molecular consequence: missense variant.
Genome position (GRCh38, 1-based): chr12:40,309,168, G>C. VCF-style: chr12-40309168-G-C. GRCh37 (hg19) VCF-style: chr12-40702970-G-C.
Other names: short protein forms V1418L.
Identifiers: ClinVar variation 3229641 (VCV003229641.1), dbSNP rs2499818154, ClinGen allele CA384418095.

ClinVar aggregate classification (germline): Uncertain significance (1 of 4 stars; one submission).

Conditions:
Inborn genetic diseases. Identifiers: MedGen C0950123, MeSH D030342.

Submission:

Ambry Genetics
Classification: Uncertain significance for Inborn genetic diseases. Last evaluated: 2023-09-28. Review status: criteria provided, single submitter. Criteria: Ambry Variant Classification Scheme 2023. Collection method: clinical testing. Allele origin: germline.
Comment: The p.V1418L variant (also known as c.4252G>C), located in coding exon 30 of the LRRK2 gene, results from a G to C substitution at nucleotide position 4252. The valine at codon 1418 is replaced by leucine, an amino acid with highly similar properties. This amino acid position is conserved. In addition, this alteration is predicted to be deleterious by in silico analysis. Since supporting evidence is limited at this time, the clinical significance of this alteration remains unclear.